The following is an entry in ClinVar:

ClinVar aggregate classification (germline): Uncertain significance (1 of 4 stars; one submission).

Conditions:
RASopathy. Also called: rasopathies; Noonan spectrum disorder. Identifiers: Orphanet 536391, MedGen C5555857, MONDO:0021060.

gnomAD v4.1: 1 of 1,584,028 alleles (0.000063%); highest among the groups gnomAD compares: Non-Finnish European, 0.000087%; no homozygotes.

Submission:

Labcorp Genetics (formerly Invitae), Labcorp
Classification: Uncertain significance for RASopathy. Last evaluated: 2023-08-10. Review status: criteria provided, single submitter. Criteria: Invitae Variant Classification Sherloc (09022015). Collection method: clinical testing. Allele origin: germline.
Comment: In summary, the available evidence is currently insufficient to determine the role of this variant in disease. Therefore, it has been classified as a Variant of Uncertain Significance. Advanced modeling of protein sequence and biophysical properties (such as structural, functional, and spatial information, amino acid conservation, physicochemical variation, residue mobility, and thermodynamic stability) performed at Invitae indicates that this missense variant is not expected to disrupt SOS1 protein function. ClinVar contains an entry for this variant (Variation ID: 1448300). This variant has not been reported in the literature in individuals affected with SOS1-related conditions. This variant is not present in population databases (gnomAD no frequency). This sequence change replaces phenylalanine, which is neutral and non-polar, with leucine, which is neutral and non-polar, at codon 230 of the SOS1 protein (p.Phe230Leu).

NM_005633.4(SOS1):c.688T>C (p.Phe230Leu)

Gene: SOS1 (SOS Ras/Rac guanine nucleotide exchange factor 1; minus strand). Cytogenetic location: 2p22.1.
Variant type: single nucleotide variant.
Coding change: c.688T>C on transcript NM_005633.4 (MANE Select); coding-DNA position 688, T replaced by C.
Protein change: p.Phe230Leu; replaces phenylalanine 230 with leucine.
Molecular consequence: missense variant.
Genome position (GRCh38, 1-based): chr2:39,054,646, A>G on the plus strand (T>C on the coding strand, the complement: SOS1 is on the minus strand). VCF-style: chr2-39054646-A-G. GRCh37 (hg19) VCF-style: chr2-39281787-A-G.
Other names: c.667T>C, p.Phe223Leu (NM_001382394.1); c.688T>C, p.Phe230Leu (NM_001382395.1); short protein forms F223L, F230L.
Identifiers: ClinVar variation 1448300 (VCV001448300.6), dbSNP rs397517177, ClinGen allele CA346372971.
Genomic context (GRCh38, chr2:39,054,646, plus strand): 5'-TGAGAGGCATATATACAATGATACTTACATTAGCTGAAAACAATTTTGAATTGGAGACAA[A>G]GGGCTCTCTAAAAACTTTTATAATTAGATTTAGTTCCCTTATATATTGTCGAATTTCTGC-3'
Protein context (NP_005624.2, residues 220-240): NLIIKVFREP[Phe230Leu]VSNSKLFSAN